The following is an entry in ClinVar:

NM_015338.6(ASXL1):c.4240C>A (p.Pro1414Thr)

Gene: ASXL1 (ASXL transcriptional regulator 1; plus strand). Cytogenetic location: 20q11.21.
Variant type: single nucleotide variant.
Coding change: c.4240C>A on transcript NM_015338.6 (MANE Select); coding-DNA position 4240, C replaced by A.
Protein change: p.Pro1414Thr; replaces proline 1414 with threonine.
Molecular consequence: missense variant.
Genome position (GRCh38, 1-based): chr20:32,436,952, C>A. VCF-style: chr20-32436952-C-A. GRCh37 (hg19) VCF-style: chr20-31024755-C-A.
Other names: c.4057C>A, p.Pro1353Thr (NM_001363734.1); short protein forms P1414T, P1353T.
Identifiers: ClinVar variation 2956665 (VCV002956665.5), dbSNP rs375106070, ClinGen allele CA9808996.
Genomic context (GRCh38, chr20:32,436,952, plus strand): 5'-GAACTGGTGGGTCACTTGGAAGGGATGCCCTTTGTCATGGACTTGCCCTTCTGGAAATTA[C>A]CCCGAGAGCCAGGGAAGGGGCTCAGTGAGCCTCTGGAGCCTTCTTCTCTCCCCTCCCAAC-3'
Protein context (NP_056153.2, residues 1404-1424): FVMDLPFWKL[Pro1414Thr]REPGKGLSEP

ClinVar aggregate classification (germline): Uncertain significance. Review status: criteria provided, multiple submitters, no conflicts (2 of 4 stars). 3 submissions from 3 submitters: Uncertain significance (3). Last evaluated 2025-06-23.

Conditions:
Hereditary cancer. Identifiers: MedGen C1333600.
Inborn genetic diseases. Identifiers: MedGen C0950123, MeSH D030342.

Allele frequency attached by ClinVar (database versions not stated): TOPMed below 0.00001; ExAC 0.00001; gnomAD 0.00001; ESP Exome Variant Server 0.00008.
gnomAD v4.1: 2 of 1,614,034 alleles (0.00012%); highest among the groups gnomAD compares: Admixed American, 0.0017%; no homozygotes.

Submissions (3):

Mendelics
Classification: Uncertain significance for Hereditary cancer. Last evaluated: 2025-06-23. Review status: criteria provided, single submitter. Criteria: ACMG Guidelines, 2015. Collection method: clinical testing. Allele origin: unknown.
Comment: The available evidence is insufficient to conclusively determine the role of this variant. Therefore, it is classified as a Variant of Uncertain Significance.

Ambry Genetics
Classification: Uncertain significance for Inborn genetic diseases. Last evaluated: 2024-12-07. Review status: criteria provided, single submitter. Criteria: Ambry Variant Classification Scheme 2023. Collection method: clinical testing. Allele origin: germline.
Comment: The p.P1414T variant (also known as c.4240C>A), located in coding exon 13 of the ASXL1 gene, results from a C to A substitution at nucleotide position 4240. The proline at codon 1414 is replaced by threonine, an amino acid with highly similar properties. This amino acid position is conserved. In addition, this alteration is predicted to be tolerated by in silico analysis. Based on the available evidence, the clinical significance of this variant remains unclear.

Labcorp Genetics (formerly Invitae), Labcorp
Classification: Uncertain significance. Last evaluated: 2023-02-19. Review status: criteria provided, single submitter. Criteria: Invitae Variant Classification Sherloc (09022015). Collection method: clinical testing. Allele origin: germline.
Comment: This sequence change replaces proline, which is neutral and non-polar, with threonine, which is neutral and polar, at codon 1414 of the ASXL1 protein (p.Pro1414Thr). This variant is present in population databases (rs375106070, gnomAD 0.007%). This variant has not been reported in the literature in individuals affected with ASXL1-related conditions. An algorithm developed to predict the effect of missense changes on protein structure and function (PolyPhen-2) suggests that this variant is likely to be disruptive. In summary, the available evidence is currently insufficient to determine the role of this variant in disease. Therefore, it has been classified as a Variant of Uncertain Significance.